The following is an entry in ClinVar:

NM_000497.4(CYP11B1):c.228del (p.Ile78fs)

Gene: CYP11B1 (cytochrome P450 family 11 subfamily B member 1; minus strand). Cytogenetic location: 8q24.3.
Variant type: Deletion.
Coding change: c.228del on transcript NM_000497.4 (MANE Select); coding-DNA position 228, one base deleted (G; older notation c.228delG).
Protein change: p.Ile78fs; shifts the reading frame from isoleucine 78.
Molecular consequence: frameshift variant.
Genome position (GRCh38, 1-based): chr8:142,879,586, C deleted on the plus strand (G on the coding strand, the reverse complement: CYP11B1 is on the minus strand); the first of 3 consecutive C bases (chr8:142,879,586-142,879,588); deleting any one gives the same sequence. VCF-style (leftmost placement, unchanged base first): chr8-142879585-GC-G. GRCh37 (hg19) VCF-style: chr8-143961001-GC-G.
Other names: c.228del, p.Ile78fs (NM_001026213.1); short protein forms I78fs.
Identifiers: ClinVar variation 3241262 (VCV003241262.2), dbSNP rs2488681916.

ClinVar aggregate classification (germline): Pathogenic/Likely pathogenic. Review status: criteria provided, multiple submitters, no conflicts (2 of 4 stars). 2 submissions from 2 submitters: Pathogenic (1); Likely pathogenic (1). Last evaluated 2025-02-15.

Conditions:
Deficiency of steroid 11-beta-monooxygenase (CYP11B1). Also called: ADRENAL HYPERPLASIA, CONGENITAL, DUE TO STEROID 11-BETA-HYDROXYLASE DEFICIENCY; 11-BETA-HYDROXYLASE DEFICIENCY; P450C11B1 DEFICIENCY; STEROID 11-BETA-HYDROXYLASE DEFICIENCY; Congenital adrenal hyperplasia due to 11-beta-hydroxylase deficiency; ADRENAL HYPERPLASIA IV. Identifiers: Orphanet 90795, MedGen C0268292, MONDO:0008729, OMIM 202010. Disease mechanism: loss of function.

Submissions (2):

Myriad Genetics, Inc.
Classification: Pathogenic for Deficiency of steroid 11-beta-monooxygenase. Last evaluated: 2025-02-15. Review status: criteria provided, single submitter. Criteria: Myriad Autosomal Dominant, Autosomal Recessive and X-Linked Classification Criteria (2023). Collection method: clinical testing. Allele origin: unknown.
Comment: NM_000497.3(CYP11B1):c.228delG(I78Ffs*14) is expected to be pathogenic in the context of congenital adrenal hyperplasia, CYP11B1-related. This variant is predicted to lead to an abnormal or absent protein product due to the creation of a premature termination codon in CYP11B1, a gene where loss-of-function variants are known to be pathogenic. Please note: this variant was assessed in the context of healthy population screening.

Baylor Genetics
Classification: Likely pathogenic for Deficiency of steroid 11-beta-monooxygenase. Last evaluated: 2024-01-08. Review status: criteria provided, single submitter. Criteria: ACMG Guidelines, 2015. Collection method: clinical testing. Allele origin: unknown.